The following is an entry in ClinVar:

NM_015102.5(NPHP4):c.3203T>C (p.Phe1068Ser)

Gene: NPHP4 (nephrocystin 4; minus strand). Cytogenetic location: 1p36.31.
Variant type: single nucleotide variant.
Coding change: c.3203T>C on transcript NM_015102.5 (MANE Select); coding-DNA position 3203, T replaced by C.
Protein change: p.Phe1068Ser; replaces phenylalanine 1068 with serine.
Molecular consequence: missense variant. On other transcripts: non-coding transcript variant (1).
Genome position (GRCh38, 1-based): chr1:5,874,499, A>G on the plus strand (T>C on the coding strand, the complement: NPHP4 is on the minus strand). VCF-style: chr1-5874499-A-G. GRCh37 (hg19) VCF-style: chr1-5934559-A-G.
Other names: c.1664T>C, p.Phe555Ser (NM_001291593.2); c.1667T>C, p.Phe556Ser (NM_001291594.2); short protein forms F1068S, F555S, F556S.
Identifiers: ClinVar variation 860863 (VCV000860863.10), dbSNP rs764323785, ClinGen allele CA553765.

ClinVar aggregate classification (germline): Uncertain significance (1 of 4 stars; one submission).

Conditions:
Nephronophthisis. Also called: Juvenile Nephronophthisis. Identifiers: Orphanet 655, MedGen C0687120, MONDO:0019005, HP:0000090.

Allele frequency attached by ClinVar (database versions not stated): TOPMed 0.00003; 1000 Genomes Project 30x 0.00016.
gnomAD v4.1: 7 of 1,567,338 alleles (0.00045%); highest among the groups gnomAD compares: African/African-American, 0.0081%; no homozygotes.

Submission:

Labcorp Genetics (formerly Invitae), Labcorp
Classification: Uncertain significance for Nephronophthisis. Last evaluated: 2022-08-20. Review status: criteria provided, single submitter. Criteria: Invitae Variant Classification Sherloc (09022015). Collection method: clinical testing. Allele origin: germline.
Comment: ClinVar contains an entry for this variant (Variation ID: 860863). In summary, the available evidence is currently insufficient to determine the role of this variant in disease. Therefore, it has been classified as a Variant of Uncertain Significance. Algorithms developed to predict the effect of missense changes on protein structure and function are either unavailable or do not agree on the potential impact of this missense change (SIFT: "Deleterious"; PolyPhen-2: "Probably Damaging"; Align-GVGD: "Class C0"). This variant has not been reported in the literature in individuals affected with NPHP4-related conditions. This variant is present in population databases (rs764323785, gnomAD 0.01%). This sequence change replaces phenylalanine, which is neutral and non-polar, with serine, which is neutral and polar, at codon 1068 of the NPHP4 protein (p.Phe1068Ser).